The following is an entry in ClinVar:

ClinVar aggregate classification (germline): Uncertain significance (1 of 4 stars; one submission).

Submission:

GeneDx
Classification: Uncertain significance. Last evaluated: 2026-04-02. Review status: criteria provided, single submitter. Criteria: GeneDx Variant Classification Process June 2021. Collection method: clinical testing. Allele origin: germline.
Comment: Not observed at significant frequency in large population cohorts (gnomAD); In silico analysis supports that this missense variant has a deleterious effect on protein structure/function; Has not been previously published as pathogenic or benign to our knowledge

NM_031157.4(HNRNPA1):c.504T>A (p.His168Gln)

Gene: HNRNPA1 (heterogeneous nuclear ribonucleoprotein A1; plus strand). Cytogenetic location: 12q13.13.
Variant type: single nucleotide variant.
Coding change: c.504T>A on transcript NM_031157.4 (MANE Select); coding-DNA position 504, T replaced by A.
Protein change: p.His168Gln; replaces histidine 168 with glutamine.
Molecular consequence: missense variant. On other transcripts: non-coding transcript variant (1).
Genome position (GRCh38, 1-based): chr12:54,282,407, T>A. VCF-style: chr12-54282407-T-A. GRCh37 (hg19) VCF-style: chr12-54676191-T-A.
Other names: c.504T>A, p.His168Gln (NM_002136.4); short protein forms H168Q.
Identifiers: ClinVar variation 5018102 (VCV005018102.1).